The following is an entry in ClinVar:

ClinVar aggregate classification (germline): Likely benign (1 of 4 stars; one submission).

Submission:

CeGaT Center for Human Genetics Tuebingen
Classification: Likely benign. Last evaluated: 2024-03-01. Review status: criteria provided, single submitter. Criteria: CeGaT Center For Human Genetics Tuebingen Variant Classification Criteria Version 2. Collection method: clinical testing. Allele origin: germline. Affected: yes. Observed: 1 variant allele.
Comment: THRA: PM2:Supporting, BP4, BP7

NM_199334.5(THRA):c.489A>G (p.Glu163=)

Gene: THRA (thyroid hormone receptor alpha; plus strand). Cytogenetic location: 17q21.1.
Variant type: single nucleotide variant.
Coding change: c.489A>G on transcript NM_199334.5 (MANE Select); coding-DNA position 489, A replaced by G.
Protein change: p.Glu163=; no amino-acid change (glutamic acid 163 retained).
Molecular consequence: synonymous variant.
Genome position (GRCh38, 1-based): chr17:40,084,728, A>G. VCF-style: chr17-40084728-A-G. GRCh37 (hg19) VCF-style: chr17-38240981-A-G.
Other names: c.489A>G, p.Glu163= (NM_001190918.2, NM_001190919.2, NM_003250.6).
Identifiers: ClinVar variation 3234354 (VCV003234354.20), dbSNP rs2544238034, ClinGen allele CA499934518.